The following is an entry in ClinVar:

ClinVar aggregate classification (germline): Pathogenic. Review status: criteria provided, multiple submitters, no conflicts (2 of 4 stars). 4 submissions from 4 submitters: Pathogenic (3). 1 of the submissions does not count toward it. Last evaluated 2026-02-16.

Conditions:
Charcot-Marie-Tooth disease axonal type 2S. Also called: CHARCOT-MARIE-TOOTH NEUROPATHY, TYPE 2S; CHARCOT-MARIE-TOOTH DISEASE, AXONAL, AUTOSOMAL RECESSIVE, TYPE 2S. Identifiers: Orphanet 443073, MedGen C4015349, MONDO:0014511, OMIM 616155.
Autosomal recessive distal spinal muscular atrophy 1. Also called: Spinal muscular atrophy with respiratory distress 1; NEURONOPATHY, DISTAL HEREDITARY MOTOR, HARDING TYPE VI; NEUROPATHY, DISTAL HEREDITARY MOTOR, AUTOSOMAL RECESSIVE 1; HMN VI; SEVERE INFANTILE AXONAL NEUROPATHY WITH RESPIRATORY FAILURE; SPINAL MUSCULAR ATROPHY, DIAPHRAGMATIC. Identifiers: Orphanet 98920, MedGen C1858517, MONDO:0011436, OMIM 604320.

Allele frequency attached by ClinVar (database versions not stated): gnomAD 0.00001; gnomAD exomes below 0.00001; TOPMed 0.00001.
gnomAD v4.1: 5 of 1,614,032 alleles (0.00031%); highest among the groups gnomAD compares: Middle Eastern, 0.017%; no homozygotes.

Submissions (4):

GeneDx
Classification: Pathogenic. Last evaluated: 2026-02-16. Review status: criteria provided, single submitter. Criteria: GeneDx Variant Classification Process June 2021. Collection method: clinical testing. Allele origin: germline.
Comment: Nonsense variant predicted to result in protein truncation or nonsense mediated decay in a gene for which loss of function is a known mechanism of disease; Not observed at significant frequency in large population cohorts (gnomAD); This variant is associated with the following publications: (PMID: 25525159, 14681881, 11528396, 22157136)

Women's Health and Genetics/Laboratory Corporation of America, LabCorp
Classification: Pathogenic for Autosomal recessive distal spinal muscular atrophy 1. Last evaluated: 2024-12-16. Review status: criteria provided, single submitter. Criteria: LabCorp Variant Classification Summary - May 2015. Collection method: clinical testing. Allele origin: germline.
Comment: Variant summary: IGHMBP2 c.707T>G (p.Leu236X) results in a premature termination codon, predicted to cause a truncation of the encoded protein or absence of the protein due to nonsense mediated decay, which are commonly known mechanisms for disease. The variant allele was found at a frequency of 4e-06 in 251456 control chromosomes. c.707T>G has been reported in the literature in individuals affected with Autosomal recessive distal spinal muscular atrophy 1 (example, Grohmann_2003). The following publication has been ascertained in the context of this evaluation (PMID: 14681881). ClinVar contains an entry for this variant (Variation ID: 9117). Based on the evidence outlined above, the variant was classified as pathogenic.

CENTOGENE GmbH and LLC - Guiding Precision Medicine
Classification: Pathogenic for Charcot-Marie-Tooth disease axonal type 2S. Last evaluated: 2020-06-03. Review status: criteria provided, single submitter. Criteria: ACMG Guidelines, 2015. Collection method: clinical testing. Allele origin: germline. Affected: no.

OMIM
Classification: Pathogenic for NEURONOPATHY, DISTAL HEREDITARY MOTOR, AUTOSOMAL RECESSIVE 1. Last evaluated: 2001-09-01. Review status: no assertion criteria provided. Collection method: literature only. Allele origin: germline. Not counted in ClinVar's aggregate classification.

Literature cited by the submitters: PubMed 14681881 (cited by Women's Health and Genetics/Laboratory Corporation of America, LabCorp); PubMed 11528396 (cited by OMIM).

NM_002180.3(IGHMBP2):c.707T>G (p.Leu236Ter)

Gene: IGHMBP2 (immunoglobulin mu DNA binding protein 2; plus strand). Cytogenetic location: 11q13.3.
Variant type: single nucleotide variant.
Coding change: c.707T>G on transcript NM_002180.3 (MANE Select); coding-DNA position 707, T replaced by G.
Protein change: p.Leu236Ter; replaces leucine 236 with a stop codon.
Molecular consequence: nonsense.
Genome position (GRCh38, 1-based): chr11:68,911,599, T>G. VCF-style: chr11-68911599-T-G. GRCh37 (hg19) VCF-style: chr11-68679067-T-G.
Other names: short protein forms L236*.
Identifiers: ClinVar variation 9117 (VCV000009117.5), dbSNP rs137852669, ClinGen allele CA254652.